The following is an entry in ClinVar:

ClinVar aggregate classification (germline): Uncertain significance (1 of 4 stars; one submission).

Submission:

Women's Health and Genetics/Laboratory Corporation of America, LabCorp
Classification: Uncertain significance. Last evaluated: 2025-01-06. Review status: criteria provided, single submitter. Criteria: LabCorp Variant Classification Summary - May 2015. Collection method: clinical testing. Allele origin: germline.
Comment: Variant summary: MUT c.2009G>T (p.Gly670Val) results in a non-conservative amino acid change located in the Methylmalonyl-CoA mutase, C-terminal domain (IPR006159) of the encoded protein sequence. Five of five in-silico tools predict a damaging effect of the variant on protein function. The variant was absent in 250994 control chromosomes. c.2009G>T has been reported in the literature in at least three compound heterozygous individuals affected with Methylmalonic Acidemia (e.g. Liang_2021, Yu_2021, Guo_2024, Ling_2024). These data indicate that the variant may be associated with disease. To our knowledge, no experimental evidence demonstrating an impact on protein function has been reported. The following publications have been ascertained in the context of this evaluation (PMID: 38128819, 33413471, 39075538, 34668645). No submitters have cited clinical-significance assessments for this variant to ClinVar. Based on the evidence outlined above, the variant was classified as VUS-possibly pathogenic.

Literature cited by the submitters: PubMed 33413471; PubMed 34668645; PubMed 38128819; PubMed 39075538.

NM_000255.4(MMUT):c.2009G>T (p.Gly670Val)

Gene: MMUT (methylmalonyl-CoA mutase; minus strand). Cytogenetic location: 6p12.3.
Variant type: single nucleotide variant.
Coding change: c.2009G>T on transcript NM_000255.4 (MANE Select); coding-DNA position 2009, G replaced by T.
Protein change: p.Gly670Val; replaces glycine 670 with valine.
Molecular consequence: missense variant.
Genome position (GRCh38, 1-based): chr6:49,435,571, C>A on the plus strand (G>T on the coding strand, the complement: MMUT is on the minus strand). VCF-style: chr6-49435571-C-A. GRCh37 (hg19) VCF-style: chr6-49403284-C-A.
Other names: short protein forms G670V.
Identifiers: ClinVar variation 3769273 (VCV003769273.2).